The following is an entry in ClinVar:

ClinVar aggregate classification (germline): Benign/Likely benign. Review status: criteria provided, multiple submitters, no conflicts (2 of 4 stars). 6 submissions from 6 submitters: Benign (1); Likely benign (2). 3 of the submissions do not count toward it. Last evaluated 2026-02-06.

Conditions:
PCDH15-related disorder. Also called: PCDH15-related disorders; PCDH15-related condition.
Usher syndrome type 1F (USH1F). Also called: USHER SYNDROME, TYPE IF. Identifiers: Orphanet 231169, Orphanet 886, MedGen C1865885, MONDO:0011186, OMIM 602083.

Allele frequency attached by ClinVar (database versions not stated): gnomAD 0.00008 and 0.00009; 1000 Genomes Project 30x 0.00031; gnomAD exomes 0.00010 and 0.00029; TOPMed 0.00022; ExAC 0.00034; 1000 Genomes Project 0.00020.
gnomAD v4.1: 163 of 1,612,516 alleles (0.01%); highest among the groups gnomAD compares: Admixed American, 0.12%; 1 homozygote.

Submissions (6):

PreventionGenetics, part of Exact Sciences
Classification: Likely benign for PCDH15-related condition. Last evaluated: 2026-02-06. Review status: criteria provided, single submitter. Criteria: ACMG Guidelines, 2015. Collection method: clinical testing. Allele origin: germline.
Comment: This variant is classified as likely benign based on ACMG/AMP sequence variant interpretation guidelines (Richards et al. 2015 PMID: 25741868, with internal and published modifications).

Labcorp Genetics (formerly Invitae), Labcorp
Classification: Benign. Last evaluated: 2026-01-19. Review status: criteria provided, single submitter. Criteria: Invitae Variant Classification Sherloc (09022015). Collection method: clinical testing. Allele origin: germline.

Blueprint Genetics
Classification: Likely benign. Last evaluated: 2024-06-19. Review status: criteria provided, single submitter. Criteria: ACMG Guidelines, 2015. Collection method: clinical testing. Allele origin: germline.

Natera, Inc.
Classification: Likely benign for Usher syndrome type 1F. Last evaluated: 2020-03-04. Review status: no assertion criteria provided. Collection method: clinical testing. Allele origin: germline. Not counted in ClinVar's aggregate classification.

Clinical Genetics DNA and cytogenetics Diagnostics Lab, Erasmus MC, Erasmus Medical Center
Classification: Likely benign. Review status: no assertion criteria provided. Collection method: clinical testing. Allele origin: germline. Affected: yes. Study: VKGL Data-share Consensus. Not counted in ClinVar's aggregate classification.

Clinical Genetics, Academic Medical Center
Classification: Likely benign. Review status: no assertion criteria provided. Collection method: clinical testing. Allele origin: germline. Affected: yes. Study: VKGL Data-share Consensus. Not counted in ClinVar's aggregate classification.

NM_001384140.1(PCDH15):c.2751+9T>C

Gene: PCDH15 (protocadherin related 15; minus strand). Cytogenetic location: 10q21.1.
Variant type: single nucleotide variant.
Coding change: c.2751+9T>C on transcript NM_001384140.1 (MANE Select); 9 bases into the intron after coding-DNA position 2751, T replaced by C.
Molecular consequence: intron variant.
Genome position (GRCh38, 1-based): chr10:54,020,183, A>G on the plus strand (T>C on the coding strand, the complement: PCDH15 is on the minus strand). VCF-style: chr10-54020183-A-G. GRCh37 (hg19) VCF-style: chr10-55779943-A-G.
Other names: c.2751+9T>C (NM_001354420.2, NM_001354429.2, NM_001142772.2 and 5 more transcripts); c.2766+9T>C (NM_001142771.2, NM_001142763.2); c.2772+9T>C (NM_001354411.2); c.2787+9T>C (NM_001142769.3); c.2685+9T>C (NM_001354404.2, NM_001142773.2, NM_001142768.2); c.2640+9T>C (NM_001142767.2); c.2538+9T>C (NM_001142765.2).
Identifiers: ClinVar variation 792481 (VCV000792481.17), dbSNP rs180804907, ClinGen allele CA5505946.